The following is an entry in ClinVar:

ClinVar aggregate classification (germline): Uncertain significance (1 of 4 stars; one submission).

Conditions:
Hereditary breast ovarian cancer syndrome. Also called: Hereditary breast and ovarian cancer syndrome (HBOC); BRCA1- and BRCA2-Associated Hereditary Breast and Ovarian Cancer; Hereditary breast and ovarian cancer syndrome; Breast and ovarian cancer; Hereditary breast and ovarian cancer; Hereditary breast and/or ovarian cancer syndrome. Identifiers: Orphanet 145, MedGen C0677776, MeSH D061325, MONDO:0003582. Disease mechanism: loss of function.

Submission:

Labcorp Genetics (formerly Invitae), Labcorp
Classification: Uncertain significance for Hereditary breast ovarian cancer syndrome. Last evaluated: 2017-11-22. Review status: criteria provided, single submitter. Criteria: Invitae Variant Classification Sherloc (09022015). Collection method: clinical testing. Allele origin: germline.
Comment: A gross duplication of the genomic region encompassing the full coding sequence of the BRCA2 gene has been identified. The boundaries of this event are unknown as the duplication extends beyond the assayed region for this gene and therefore may encompass additional genes. As the precise location of this duplication is unknown, it may be in tandem or it may be located elsewhere in the genome. This variant has not been reported in the literature in individuals with BRCA2-related disease. In summary, the available evidence is currently insufficient to determine the role of this variant in disease. Therefore, it has been classified as a Variant of Uncertain Significance.

NC_000013.10:g.(?_32890592)_(32972913_?)dup

Genes: BRCA2 (BRCA2 DNA repair associated; plus strand), LOC130009524 (ATAC-STARR-seq lymphoblastoid active region 7555; plus strand), LOC112163653 (Sharpr-MPRA regulatory region 1962; plus strand). Cytogenetic location: 13q13.1.
Variant type: Duplication.
Identifiers: ClinVar variation 531560 (VCV000531560.1).